The following is an entry in ClinVar:

NM_001190274.2(FBXO11):c.2059G>A (p.Gly687Ser)

Gene: FBXO11 (F-box protein 11; minus strand). Cytogenetic location: 2p16.3.
Variant type: single nucleotide variant.
Coding change: c.2059G>A on transcript NM_001190274.2 (MANE Select); coding-DNA position 2059, G replaced by A.
Protein change: p.Gly687Ser; replaces glycine 687 with serine.
Molecular consequence: missense variant.
Genome position (GRCh38, 1-based): chr2:47,813,815, C>T on the plus strand (G>A on the coding strand, the complement: FBXO11 is on the minus strand). VCF-style: chr2-47813815-C-T. GRCh37 (hg19) VCF-style: chr2-48040954-C-T.
Other names: c.1807G>A, p.Gly603Ser (NM_001374325.1, NM_025133.4); short protein forms G603S, G687S.
Identifiers: ClinVar variation 3849395 (VCV003849395.2).

ClinVar aggregate classification (germline): Uncertain significance (1 of 4 stars; one submission).

Conditions:
Inborn genetic diseases. Identifiers: MedGen C0950123, MeSH D030342.

Submission:

Ambry Genetics
Classification: Uncertain significance for Inborn genetic diseases. Last evaluated: 2025-05-20. Review status: criteria provided, single submitter. Criteria: Ambry Variant Classification Scheme 2023. Collection method: clinical testing. Allele origin: germline.
Comment: The c.2059G>A (p.G687S) alteration is located in exon 17 (coding exon 17) of the FBXO11 gene. This alteration results from a G to A substitution at nucleotide position 2059, causing the glycine (G) at amino acid position 687 to be replaced by a serine (S). This variant was not reported in population-based cohorts in the Genome Aggregation Database (gnomAD). Another variant at the same codon, c.2060G>A (p.G687D), has been identified in an individual with features consistent with FBXO11-related neurodevelopmental disorder (Jansen, 2019). This amino acid position is highly conserved in available vertebrate species. This missense alteration is located in a region that has a low rate of benign missense variation (Lek, 2016; Firth, 2009). This alteration is predicted to be deleterious by in silico analysis. Based on insufficient or conflicting evidence, the clinical significance of this alteration remains unclear.

Literature cited by the submitters: PubMed 30679813.